The following is an entry in ClinVar:

NM_000455.5(STK11):c.1044C>G (p.Asp348Glu)

Genes: STK11 (serine/threonine kinase 11; plus strand), LOC130062899 (ATAC-STARR-seq lymphoblastoid active region 13597; plus strand). Cytogenetic location: 19p13.3.
Variant type: single nucleotide variant.
Coding change: c.1044C>G on transcript NM_000455.5 (MANE Select); coding-DNA position 1044, C replaced by G.
Protein change: p.Asp348Glu; replaces aspartic acid 348 with glutamic acid.
Molecular consequence: missense variant.
Genome position (GRCh38, 1-based): chr19:1,223,108, C>G. VCF-style: chr19-1223108-C-G. GRCh37 (hg19) VCF-style: chr19-1223107-C-G.
Other names: short protein forms D348E.
Identifiers: ClinVar variation 1413306 (VCV001413306.11), dbSNP rs778274196, ClinGen allele CA402951812.

ClinVar aggregate classification (germline): Conflicting classifications of pathogenicity. Review status: criteria provided, conflicting classifications (1 of 4 stars). 2 submissions from 2 submitters: Uncertain significance (1); Likely benign (1). Last evaluated 2026-04-16.

Conditions:
Hereditary cancer-predisposing syndrome. Also called: Tumor predisposition; Neoplastic Syndromes, Hereditary; Hereditary Cancer Syndrome; Hereditary neoplastic syndrome. Identifiers: Orphanet 140162, MedGen C0027672, MeSH D009386, MONDO:0015356.
Peutz-Jeghers syndrome (PJS). Also called: POLYPOSIS, HAMARTOMATOUS INTESTINAL; POLYPS-AND-SPOTS SYNDROME; Peutz-Jeghers polyposis; Periorificial lentiginosis syndrome. Identifiers: Orphanet 2869, MedGen C0031269, MeSH D010580, MONDO:0008280, OMIM 175200.

Submissions (2):

Ambry Genetics
Classification: Likely benign for Hereditary cancer-predisposing syndrome. Last evaluated: 2026-04-16. Review status: criteria provided, single submitter. Criteria: Ambry Variant Classification Scheme 2023. Collection method: clinical testing. Allele origin: germline.

Labcorp Genetics (formerly Invitae), Labcorp
Classification: Uncertain significance for Peutz-Jeghers syndrome. Last evaluated: 2020-12-02. Review status: criteria provided, single submitter. Criteria: Invitae Variant Classification Sherloc (09022015). Collection method: clinical testing. Allele origin: germline.
Comment: Advanced modeling of protein sequence and biophysical properties (such as structural, functional, and spatial information, amino acid conservation, physicochemical variation, residue mobility, and thermodynamic stability) performed at Invitae indicates that this missense variant is not expected to disrupt STK11 protein function. This variant has not been reported in the literature in individuals with STK11-related conditions. This variant is not present in population databases (ExAC no frequency). This sequence change replaces aspartic acid with glutamic acid at codon 348 of the STK11 protein (p.Asp348Glu). The aspartic acid residue is weakly conserved and there is a small physicochemical difference between aspartic acid and glutamic acid. In summary, the available evidence is currently insufficient to determine the role of this variant in disease. Therefore, it has been classified as a Variant of Uncertain Significance.